The following is an entry in ClinVar:

NM_001369.3(DNAH5):c.6293_6295del (p.Lys2098del)

Gene: DNAH5 (dynein axonemal heavy chain 5; minus strand). Cytogenetic location: 5p15.2.
Variant type: Deletion.
Coding change: c.6293_6295del on transcript NM_001369.3 (MANE Select); coding-DNA positions 6293 to 6295, 3 bases deleted (AGA; older notation c.6293_6295delAGA).
Protein change: p.Lys2098del; deletes lysine 2098.
Molecular consequence: inframe deletion.
Genome position (GRCh38, 1-based): chr5:13,829,659-13,829,661, TCT deleted on the plus strand (AGA on the coding strand, the reverse complement: DNAH5 is on the minus strand); deleting any 3 consecutive bases within chr5:13,829,659-13,829,663 gives the same sequence; the c. name uses the placement nearest the transcript's 3' end. VCF-style (leftmost placement, unchanged base first): chr5-13829658-ATCT-A. GRCh37 (hg19) VCF-style: chr5-13829767-ATCT-A.
Other names: short protein forms K2098del.
Identifiers: ClinVar variation 4875259 (VCV004875259.2).
Genomic context (GRCh38, chr5:13,829,658, plus strand): 5'-AACTTCACCCTTATGATAATCTGACGGTCAGGCACCATCATGGCCACTGAGCGGAAATTA[ATCT>A]TCAAGTTTTCAGGGAGTTCCTGCCGTCCGGCATAGCCAGGATTCTAAACAGAAAATAAAG-3'

ClinVar aggregate classification (germline): Uncertain significance (1 of 4 stars; one submission).

Submission:

CeGaT Center for Human Genetics Tuebingen
Classification: Uncertain significance. Last evaluated: 2026-06-01. Review status: criteria provided, single submitter. Criteria: CeGaT Center For Human Genetics Tuebingen Variant Classification Criteria Version 2. Collection method: clinical testing. Allele origin: germline. Affected: yes. Observed: 1 variant allele.
Comment: DNAH5: PM2, PM4:Supporting